The following is an entry in ClinVar:

ClinVar aggregate classification (germline): Likely benign. Review status: criteria provided, single submitter (1 of 4 stars). 2 submissions from 2 submitters: Likely benign (1). 1 of the submissions does not count toward it. Last evaluated 2025-08-11.

Conditions:
NOTCH1-related disorder. Also called: NOTCH1-related disorders; NOTCH1-related condition.
Adams-Oliver syndrome 5 (AOS5). Identifiers: Orphanet 974, MedGen C4014970, MONDO:0014459, OMIM 616028.

Allele frequency attached by ClinVar (database versions not stated): gnomAD 0.00001; gnomAD exomes 0.00001 and 0.00002; TOPMed 0.00002; ExAC 0.00004.
gnomAD v4.1: 29 of 1,563,938 alleles (0.0019%); highest among the groups gnomAD compares: Middle Eastern, 0.017%; no homozygotes.

Submissions (3):

Labcorp Genetics (formerly Invitae), Labcorp
Classification: Likely benign for Adams-Oliver syndrome 5. Last evaluated: 2025-08-11. Review status: criteria provided, single submitter. Criteria: Invitae Variant Classification Sherloc (09022015). Collection method: clinical testing. Allele origin: germline.

PreventionGenetics, part of Exact Sciences
Classification: Likely benign for NOTCH1-related condition. Last evaluated: 2019-06-21. Review status: no assertion criteria provided. Collection method: clinical testing. Allele origin: germline. Not counted in ClinVar's aggregate classification.
Comment: This variant is classified as likely benign based on ACMG/AMP sequence variant interpretation guidelines (Richards et al. 2015 PMID: 25741868, with internal and published modifications).

Dr. Peter K. Rogan Lab, Western University
No classification provided (evidence only). Condition: Uterine corpus endometrial carcinoma. Review status: no classification provided. Collection method: in vitro. Allele origin: not applicable. Functional consequence: retained intron. Not counted in ClinVar's aggregate classification.

NM_017617.5(NOTCH1):c.2207+9C>T

Gene: NOTCH1 (notch receptor 1; minus strand). Cytogenetic location: 9q34.3.
Variant type: single nucleotide variant.
Coding change: c.2207+9C>T on transcript NM_017617.5 (MANE Select); 9 bases into the intron after coding-DNA position 2207, C replaced by T.
Molecular consequence: intron variant.
Genome position (GRCh38, 1-based): chr9:136,514,501, G>A on the plus strand (C>T on the coding strand, the complement: NOTCH1 is on the minus strand). VCF-style: chr9-136514501-G-A. GRCh37 (hg19) VCF-style: chr9-139408953-G-A.
Other names: c.2207+9C>T (LRG_1122t1, NM_017617.4).
Identifiers: ClinVar variation 477891 (VCV000477891.11), dbSNP rs751315476, ClinGen allele CA5341455.